The following is an entry in ClinVar:

NM_017514.5(PLXNA3):c.1460C>T (p.Pro487Leu)

Gene: PLXNA3 (plexin A3; plus strand). Cytogenetic location: Xq28.
Variant type: single nucleotide variant.
Coding change: c.1460C>T on transcript NM_017514.5 (MANE Select); coding-DNA position 1460, C replaced by T.
Protein change: p.Pro487Leu; replaces proline 487 with leucine.
Molecular consequence: missense variant.
Genome position (GRCh38, 1-based): chrX:154,463,603, C>T. VCF-style: chrX-154463603-C-T. GRCh37 (hg19) VCF-style: chrX-153691946-C-T.
Other names: short protein forms P487L.
Identifiers: ClinVar variation 2227908 (VCV002227908.3), dbSNP rs782671141, ClinGen allele CA10564049.
Genomic context (GRCh38, chrX:154,463,603, plus strand): 5'-GGGTGGTGGGGCGGGGGTGGGCTGGGTGCTGATGTGGCTGTCCCCAGGTGAGCCAGCTCC[C>T]GGTGGAGACCTGTGAGCAGTACCAGAGCTGCGCAGCCTGCCTGGGCTCCGGGGACCCGCA-3'
Protein context (NP_059984.3, residues 477-497): LLSEKQVSQL[Pro487Leu]VETCEQYQSC

ClinVar aggregate classification (germline): Conflicting classifications of pathogenicity. Review status: criteria provided, conflicting classifications (1 of 4 stars). 2 submissions from 2 submitters: Uncertain significance (1); Likely benign (1). Last evaluated 2026-04-01.

Conditions:
PLXNA3-related disorder. Also called: PLXNA3-related condition.

Allele frequency attached by ClinVar (database versions not stated): gnomAD 0.00002; TOPMed 0.00005; ExAC 0.00006; gnomAD exomes 0.00021.
gnomAD v4.1: 230 of 1,198,106 alleles (0.019%); highest among the groups gnomAD compares: Non-Finnish European, 0.025%; 1 homozygote.

Submissions (2):

PreventionGenetics, part of Exact Sciences
Classification: Likely benign for PLXNA3-related condition. Last evaluated: 2026-04-01. Review status: criteria provided, single submitter. Criteria: ACMG Guidelines, 2015. Collection method: clinical testing. Allele origin: germline.
Comment: This variant is classified as likely benign based on ACMG/AMP sequence variant interpretation guidelines (Richards et al. 2015 PMID: 25741868, with internal and published modifications).

Ambry Genetics
Classification: Uncertain significance. Last evaluated: 2021-08-10. Review status: criteria provided, single submitter. Criteria: Ambry Variant Classification Scheme 2023. Collection method: clinical testing. Allele origin: germline.